The following is an entry in ClinVar:

NM_000218.3(KCNQ1):c.647del (p.Gly216fs)

Gene: KCNQ1 (potassium voltage-gated channel subfamily Q member 1; plus strand). Cytogenetic location: 11p15.5.
Variant type: Deletion.
Coding change: c.647del on transcript NM_000218.3 (MANE Select); coding-DNA position 647, one base deleted (G; older notation c.647delG).
Protein change: p.Gly216fs; shifts the reading frame from glycine 216.
Molecular consequence: frameshift variant.
Genome position (GRCh38, 1-based): chr11:2,571,367, G deleted; the last of 3 consecutive G bases (chr11:2,571,365-2,571,367); deleting any one gives the same sequence. VCF-style (leftmost placement, unchanged base first): chr11-2571364-TG-T. GRCh37 (hg19) VCF-style: chr11-2592594-TG-T.
Other names: c.647delG, p.Gly216Alafs (NM_000218.2, NM_001406836.1); c.377delG, p.Gly126Alafs (NM_001406837.1); c.266delG, p.Gly89Alafs (NM_181798.2); short protein forms G216fs, G89fs.
Identifiers: ClinVar variation 1802109 (VCV001802109.2), dbSNP rs182975255, ClinGen allele CA216310679.
Genomic context (GRCh38, chr11:2,571,364, plus strand): 5'-CCCCTCTCCTGCACTCCACAGACCTCATCGTGGTCGTGGCCTCCATGGTGGTCCTCTGCG[TG>T]GGCTCCAAGGGGCAGGTGTTTGCCACGTCGGCCATCAGGTGCGTCTGTGCCACAAGCTCC-3'

ClinVar aggregate classification (germline): Likely pathogenic. Review status: criteria provided, multiple submitters, no conflicts (2 of 4 stars). 2 submissions from 2 submitters: Likely pathogenic (2). Last evaluated 2022-11-30.

Conditions:
KCNQ1-related disorder. Also called: KCNQ1-related disorders; KCNQ1-related condition. Identifiers: MedGen CN239322.

Submissions (2):

GeneDx
Classification: Likely pathogenic. Last evaluated: 2022-11-30. Review status: criteria provided, single submitter. Criteria: GeneDx Variant Classification Process June 2021. Collection method: clinical testing. Allele origin: germline. Affected: yes.
Comment: Not observed at significant frequency in large population cohorts (gnomAD); Frameshift variant predicted to result in protein truncation or nonsense mediated decay in a gene for which loss of function is a known mechanism of disease; This variant is associated with the following publications: (PMID: 29372044, 24206879)

Blueprint Genetics
Classification: Likely pathogenic for KCNQ1-related disorders. Last evaluated: 2017-07-04. Review status: criteria provided, single submitter. Criteria: ACMG Guidelines, 2015. Collection method: clinical testing. Allele origin: germline. Affected: yes. Observed: 1 variant allele.